The following is an entry in ClinVar:

ClinVar aggregate classification (germline): Uncertain significance (1 of 4 stars; one submission).

Conditions:
Hereditary cancer-predisposing syndrome. Also called: Hereditary Cancer Syndrome; Hereditary neoplastic syndrome; Neoplastic Syndromes, Hereditary; Tumor predisposition. Identifiers: Orphanet 140162, MedGen C0027672, MeSH D009386, MONDO:0015356.

Submission:

Ambry Genetics
Classification: Uncertain significance for Hereditary cancer-predisposing syndrome. Last evaluated: 2025-06-24. Review status: criteria provided, single submitter. Criteria: Ambry Variant Classification Scheme 2023. Collection method: clinical testing. Allele origin: germline.
Comment: The p.Q3156P variant (also known as c.9467A>C), located in coding exon 24 of the BRCA2 gene, results from an A to C substitution at nucleotide position 9467. The glutamine at codon 3156 is replaced by proline, an amino acid with similar properties. This amino acid position is conserved. In addition, this alteration is predicted to be deleterious by in silico analysis. Based on the available evidence, the clinical significance of this variant remains unclear.

NM_000059.4(BRCA2):c.9467A>C (p.Gln3156Pro)

Gene: BRCA2 (BRCA2 DNA repair associated; plus strand). Cytogenetic location: 13q13.1.
Variant type: single nucleotide variant.
Coding change: c.9467A>C on transcript NM_000059.4 (MANE Select); coding-DNA position 9467, A replaced by C.
Protein change: p.Gln3156Pro; replaces glutamine 3156 with proline.
Molecular consequence: missense variant. On other transcripts: non-coding transcript variant (1).
Genome position (GRCh38, 1-based): chr13:32,394,899, A>C. VCF-style: chr13-32394899-A-C. GRCh37 (hg19) VCF-style: chr13-32969036-A-C.
Other names: c.9416A>C, p.Gln3139Pro (NM_001406720.1); c.4535A>C, p.Gln1512Pro (NM_001406721.1); c.3050A>C, p.Gln1017Pro (NM_001406722.1); c.9467A>C, p.Gln3156Pro (NM_001432077.1); c.9371A>C, p.Gln3124Pro (NM_001406719.1); short protein forms Q1512P, Q1017P, Q3156P, Q3124P, Q3139P.
Identifiers: ClinVar variation 4215812 (VCV004215812.1).